The following is an entry in ClinVar:

NM_004398.4(DDX10):c.1723A>G (p.Asn575Asp)

Gene: DDX10 (DEAD-box helicase 10; plus strand). Cytogenetic location: 11q22.3.
Variant type: single nucleotide variant.
Coding change: c.1723A>G on transcript NM_004398.4 (MANE Select); coding-DNA position 1723, A replaced by G.
Protein change: p.Asn575Asp; replaces asparagine 575 with aspartic acid.
Molecular consequence: missense variant.
Genome position (GRCh38, 1-based): chr11:108,723,220, A>G. VCF-style: chr11-108723220-A-G. GRCh37 (hg19) VCF-style: chr11-108593947-A-G.
Other names: c.1723A>G (NM_004398.2); short protein forms N575D.
Identifiers: ClinVar variation 3040175 (VCV003040175.3), dbSNP rs61996358, ClinGen allele CA6268975.

ClinVar aggregate classification (germline): Uncertain significance. Review status: criteria provided, single submitter (1 of 4 stars). 2 submissions from 2 submitters: Uncertain significance (1). 1 of the submissions does not count toward it. Last evaluated 2025-08-24.

Conditions:
DDX10-related disorder. Also called: DDX10-related condition.

Allele frequency attached by ClinVar (database versions not stated): ExAC 0.00094; ESP Exome Variant Server 0.00285; gnomAD 0.00340; TOPMed 0.00379; 1000 Genomes Project 0.00559; 1000 Genomes Project 30x 0.00609.
gnomAD v4.1: 975 of 1,613,766 alleles (0.06%); highest among the groups gnomAD compares: African/African-American, 1.1%; 6 homozygotes.

Submissions (2):

Ambry Genetics
Classification: Uncertain significance. Last evaluated: 2025-08-24. Review status: criteria provided, single submitter. Criteria: Ambry Variant Classification Scheme 2023. Collection method: clinical testing. Allele origin: germline.

PreventionGenetics, part of Exact Sciences
Classification: Benign for DDX10-related condition. Last evaluated: 2019-09-10. Review status: no assertion criteria provided. Collection method: clinical testing. Allele origin: germline. Not counted in ClinVar's aggregate classification.
Comment: This variant is classified as benign based on ACMG/AMP sequence variant interpretation guidelines (Richards et al. 2015 PMID: 25741868, with internal and published modifications).